The following is an entry in ClinVar:

ClinVar aggregate classification (germline): Uncertain significance (1 of 4 stars; one submission).

Submission:

CeGaT Center for Human Genetics Tuebingen
Classification: Uncertain significance. Last evaluated: 2025-02-01. Review status: criteria provided, single submitter. Criteria: CeGaT Center For Human Genetics Tuebingen Variant Classification Criteria Version 2. Collection method: clinical testing. Allele origin: germline. Affected: yes. Observed: 1 variant allele.
Comment: CDH23: PM2

NM_022124.6(CDH23):c.6148A>G (p.Asn2050Asp)

Gene: CDH23 (cadherin related 23; plus strand). Cytogenetic location: 10q22.1.
Variant type: single nucleotide variant.
Coding change: c.6148A>G on transcript NM_022124.6 (MANE Select); coding-DNA position 6148, A replaced by G.
Protein change: p.Asn2050Asp; replaces asparagine 2050 with aspartic acid.
Molecular consequence: missense variant.
Genome position (GRCh38, 1-based): chr10:71,791,230, A>G. VCF-style: chr10-71791230-A-G. GRCh37 (hg19) VCF-style: chr10-73550987-A-G.
Other names: short protein forms N2050D.
Identifiers: ClinVar variation 3772510 (VCV003772510.13).